The following is an entry in ClinVar:

ClinVar aggregate classification (germline): Likely benign (1 of 4 stars; one submission).

Allele frequency attached by ClinVar (database versions not stated): gnomAD exomes below 0.00001.
gnomAD v4.1: 3 of 1,499,874 alleles (0.0002%); highest among the groups gnomAD compares: Non-Finnish European, 0.00027%; no homozygotes.

Submission:

CeGaT Center for Human Genetics Tuebingen
Classification: Likely benign. Last evaluated: 2022-06-01. Review status: criteria provided, single submitter. Criteria: CeGaT Center For Human Genetics Tuebingen Variant Classification Criteria Version 2. Collection method: clinical testing. Allele origin: germline. Affected: yes. Observed: 1 variant allele.
Comment: TTN: BP4, BP7

NM_001267550.2(TTN):c.40035A>G (p.Lys13345=)

Gene: TTN (titin; minus strand). Cytogenetic location: 2q31.2.
Variant type: single nucleotide variant.
Coding change: c.40035A>G on transcript NM_001267550.2 (MANE Select); coding-DNA position 40035, A replaced by G.
Protein change: p.Lys13345=; no amino-acid change (lysine 13345 retained).
Molecular consequence: synonymous variant. On other transcripts: intron variant (5).
Genome position (GRCh38, 1-based): chr2:178,649,270, T>C on the plus strand (A>G on the coding strand, the complement: TTN is on the minus strand). VCF-style: chr2-178649270-T-C. GRCh37 (hg19) VCF-style: chr2-179513997-T-C.
Other names: c.13283-6953A>G (NM_003319.4); c.13859-6953A>G (NM_133437.4); c.13658-6953A>G (NM_133432.3); c.32593+547A>G (NM_133378.4); c.35374+547A>G (NM_001256850.1).
Identifiers: ClinVar variation 1694990 (VCV001694990.31), dbSNP rs1030376391, ClinGen allele CA60966118.